The following is an entry in ClinVar:

NM_006289.4(TLN1):c.7206G>A (p.Ala2402=)

Gene: TLN1 (talin 1; minus strand). Cytogenetic location: 9p13.3.
Variant type: single nucleotide variant.
Coding change: c.7206G>A on transcript NM_006289.4 (MANE Select); coding-DNA position 7206, G replaced by A.
Protein change: p.Ala2402=; no amino-acid change (alanine 2402 retained).
Molecular consequence: synonymous variant.
Genome position (GRCh38, 1-based): chr9:35,698,488, C>T on the plus strand (G>A on the coding strand, the complement: TLN1 is on the minus strand). VCF-style: chr9-35698488-C-T. GRCh37 (hg19) VCF-style: chr9-35698485-C-T.
Identifiers: ClinVar variation 2659181 (VCV002659181.24), dbSNP rs544066721, ClinGen allele CA5047576.
Genomic context (GRCh38, chr9:35,698,488, plus strand): 5'-CTCCTGGCTGGCATGGCCTTGTACAGCTGCATTGGCTGCCTCACACAGATTGTTGGTGGC[C>T]GCAGCCACCATCCGGGCCTAAAGCAGGGAGAGTTTGCTTAAAAATATGCCCCTTGCCCTG-3'
Protein context (NP_006280.3, residues 2392-2412): GLISAARMVA[Ala2402=]ATNNLCEAAN

ClinVar aggregate classification (germline): Likely benign (1 of 4 stars; one submission).

Allele frequency attached by ClinVar (database versions not stated): gnomAD exomes 0.00002; ExAC 0.00004; TOPMed 0.00005; gnomAD 0.00006; 1000 Genomes Project 30x 0.00031; 1000 Genomes Project 0.00040.
gnomAD v4.1: 42 of 1,613,808 alleles (0.0026%); highest among the groups gnomAD compares: Admixed American, 0.017%; no homozygotes.

Submission:

CeGaT Center for Human Genetics Tuebingen
Classification: Likely benign. Last evaluated: 2023-07-01. Review status: criteria provided, single submitter. Criteria: CeGaT Center For Human Genetics Tuebingen Variant Classification Criteria Version 2. Collection method: clinical testing. Allele origin: germline. Affected: yes. Observed: 1 variant allele.
Comment: TLN1: BP4, BP7